The following is an entry in ClinVar:

ClinVar aggregate classification (germline): Uncertain significance. Review status: criteria provided, multiple submitters, no conflicts (2 of 4 stars). 2 submissions from 2 submitters: Uncertain significance (2). Last evaluated 2025-06-27.

Allele frequency attached by ClinVar (database versions not stated): 1000 Genomes Project 30x 0.00016; 1000 Genomes Project 0.00020; ExAC 0.00003.
gnomAD v4.1: 25 of 1,596,080 alleles (0.0016%); highest among the groups gnomAD compares: African/African-American, 0.0027%; no homozygotes.

Submissions (2):

Labcorp Genetics (formerly Invitae), Labcorp
Classification: Uncertain significance. Last evaluated: 2025-06-27. Review status: criteria provided, single submitter. Criteria: Invitae Variant Classification Sherloc (09022015). Collection method: clinical testing. Allele origin: germline.
Comment: This sequence change replaces glutamic acid, which is acidic and polar, with lysine, which is basic and polar, at codon 768 of the FGFR3 protein (p.Glu768Lys). The frequency data for this variant in the population databases is considered unreliable, as metrics indicate poor data quality at this position in the gnomAD database. This variant has not been reported in the literature in individuals affected with FGFR3-related conditions. ClinVar contains an entry for this variant (Variation ID: 2501482). Invitae Evidence Modeling of protein sequence and biophysical properties (such as structural, functional, and spatial information, amino acid conservation, physicochemical variation, residue mobility, and thermodynamic stability) has been performed for this missense variant. However, the output from this modeling did not meet the statistical confidence thresholds required to predict the impact of this variant on FGFR3 protein function. In summary, the available evidence is currently insufficient to determine the role of this variant in disease. Therefore, it has been classified as a Variant of Uncertain Significance.

GeneDx
Classification: Uncertain significance. Last evaluated: 2022-11-02. Review status: criteria provided, single submitter. Criteria: GeneDx Variant Classification Process June 2021. Collection method: clinical testing. Allele origin: germline. Affected: yes.
Comment: In silico analysis supports that this missense variant does not alter protein structure/function; Has not been previously published as pathogenic or benign to our knowledge

NM_000142.5(FGFR3):c.2302G>A (p.Glu768Lys)

Gene: FGFR3 (fibroblast growth factor receptor 3; plus strand). Cytogenetic location: 4p16.3.
Variant type: single nucleotide variant.
Coding change: c.2302G>A on transcript NM_000142.5 (MANE Select); coding-DNA position 2302, G replaced by A.
Protein change: p.Glu768Lys; replaces glutamic acid 768 with lysine.
Molecular consequence: missense variant. On other transcripts: non-coding transcript variant (1).
Genome position (GRCh38, 1-based): chr4:1,807,143, G>A. VCF-style: chr4-1807143-G-A. GRCh37 (hg19) VCF-style: chr4-1808870-G-A.
Other names: c.2308G>A, p.Glu770Lys (NM_001163213.2); c.2305G>A, p.Glu769Lys (NM_001354809.2); c.2234G>A, p.Arg745Gln (NM_001354810.2); c.1966G>A, p.Glu656Lys (NM_022965.4); short protein forms E656K, E768K, E769K, E770K, R745Q.
Identifiers: ClinVar variation 2501482 (VCV002501482.4), dbSNP rs560280646, ClinGen allele CA2810829.
Genomic context (GRCh38, chr4:1,807,143, plus strand): 5'-TGGCACAGCGCTCACCCCGCCTCCCGCCAGCAGGAGTACCTGGACCTGTCGGCGCCTTTC[G>A]AGCAGTACTCCCCGGGTGGCCAGGACACCCCCAGCTCCAGCTCCTCAGGGGACGACTCCG-3'
Protein context (NP_000133.1, residues 758-778): DEYLDLSAPF[Glu768Lys]QYSPGGQDTP